The following is an entry in ClinVar:

NM_000921.5(PDE3A):c.3283C>T (p.Arg1095Trp)

Gene: PDE3A (phosphodiesterase 3A; plus strand). Cytogenetic location: 12p12.2.
Variant type: single nucleotide variant.
Coding change: c.3283C>T on transcript NM_000921.5 (MANE Select); coding-DNA position 3283, C replaced by T.
Protein change: p.Arg1095Trp; replaces arginine 1095 with tryptophan.
Molecular consequence: missense variant. On other transcripts: 3 prime UTR variant (1).
Genome position (GRCh38, 1-based): chr12:20,680,128, C>T. VCF-style: chr12-20680128-C-T. GRCh37 (hg19) VCF-style: chr12-20833062-C-T.
Other names: c.2317C>T, p.Arg773Trp (NM_001244683.2); c.2977C>T, p.Arg993Trp (NM_001378407.1); c.*11C>T (NM_001378408.1); short protein forms R1095W, R773W, R993W.
Identifiers: ClinVar variation 1349292 (VCV001349292.8), dbSNP rs368805519, ClinGen allele CA6474277.

ClinVar aggregate classification (germline): Uncertain significance (1 of 4 stars; one submission).

Allele frequency attached by ClinVar (database versions not stated): TOPMed 0.00002; ExAC 0.00006; ESP Exome Variant Server 0.00008.
gnomAD v4.1: 150 of 1,613,534 alleles (0.0093%); highest among the groups gnomAD compares: East Asian, 0.096%; no homozygotes.

Submission:

Labcorp Genetics (formerly Invitae), Labcorp
Classification: Uncertain significance. Last evaluated: 2022-07-25. Review status: criteria provided, single submitter. Criteria: Invitae Variant Classification Sherloc (09022015). Collection method: clinical testing. Allele origin: germline.
Comment: In summary, the available evidence is currently insufficient to determine the role of this variant in disease. Therefore, it has been classified as a Variant of Uncertain Significance. Algorithms developed to predict the effect of missense changes on protein structure and function are either unavailable or do not agree on the potential impact of this missense change (SIFT: "Deleterious"; PolyPhen-2: "Possibly Damaging"; Align-GVGD: "Class C0"). ClinVar contains an entry for this variant (Variation ID: 1349292). This variant has not been reported in the literature in individuals affected with PDE3A-related conditions. This variant is present in population databases (rs368805519, gnomAD 0.05%). This sequence change replaces arginine, which is basic and polar, with tryptophan, which is neutral and slightly polar, at codon 1095 of the PDE3A protein (p.Arg1095Trp).